The following is an entry in ClinVar:

NM_001371623.1(TCOF1):c.3587TGG[1] (p.Val1197del)

Gene: TCOF1 (treacle ribosome biogenesis factor 1; plus strand). Cytogenetic location: 5q32.
Variant type: Microsatellite.
Coding change: c.3587TGG[1] on transcript NM_001371623.1 (MANE Select); one copy of the 3-base unit TGG starting at c.3587; the reference has two copies in a row; one copy, 3 bases deleted.
Protein change: p.Val1197del; deletes valine 1197.
Molecular consequence: inframe deletion.
Genome position (GRCh38, 1-based): chr5:150,392,777-150,392,779, TGG deleted; deleting any 3 consecutive bases within chr5:150,392,773-150,392,779 gives the same sequence; the position shown is the placement nearest the transcript's 3' end. VCF-style (leftmost placement, unchanged base first): chr5-150392772-TGTG-T. GRCh37 (hg19) VCF-style: chr5-149772335-TGTG-T.
Other names: c.3353TGG[1], p.Val1119del (NM_000356.4); c.3584TGG[1], p.Val1196del (NM_001135243.2); c.3473TGG[1], p.Val1159del (NM_001135244.2); c.3356TGG[1], p.Val1120del (NM_001135245.2); c.3470TGG[1], p.Val1158del (NM_001195141.2); short protein forms V1119del, V1120del, V1159del, V1197del, V1158del, V1196del.
Identifiers: ClinVar variation 1435596 (VCV001435596.8), dbSNP rs748108935, ClinGen allele CA3511547.

ClinVar aggregate classification (germline): Uncertain significance (1 of 4 stars; one submission).

Conditions:
Treacher Collins syndrome 1 (TCS1). Also called: TCOF1-Related Treacher Collins Syndrome. Identifiers: Orphanet 861, MedGen CN315775, MONDO:0007944, OMIM 154500.

Submission:

Labcorp Genetics (formerly Invitae), Labcorp
Classification: Uncertain significance for Treacher Collins syndrome 1. Last evaluated: 2024-08-09. Review status: criteria provided, single submitter. Criteria: Invitae Variant Classification Sherloc (09022015). Collection method: clinical testing. Allele origin: germline.
Comment: This variant, c.3587_3589del, results in the deletion of 1 amino acid(s) of the TCOF1 protein (p.Val1196del), but otherwise preserves the integrity of the reading frame. This variant is present in population databases (rs748108935, gnomAD 0.004%). This variant has not been reported in the literature in individuals affected with TCOF1-related conditions. Experimental studies and prediction algorithms are not available or were not evaluated, and the functional significance of this variant is currently unknown. In summary, the available evidence is currently insufficient to determine the role of this variant in disease. Therefore, it has been classified as a Variant of Uncertain Significance.